The following is an entry in ClinVar:

NM_000334.4(SCN4A):c.4098C>A (p.Asn1366Lys)

Genes: SCN4A (sodium voltage-gated channel alpha subunit 4; minus strand), GH-LCR (growth hormone locus control region; plus strand). Cytogenetic location: 17q23.3.
Variant type: single nucleotide variant.
Coding change: c.4098C>A on transcript NM_000334.4 (MANE Select); coding-DNA position 4098, C replaced by A.
Protein change: p.Asn1366Lys; replaces asparagine 1366 with lysine.
Molecular consequence: missense variant.
Genome position (GRCh38, 1-based): chr17:63,943,016, G>T on the plus strand (C>A on the coding strand, the complement: SCN4A is on the minus strand). VCF-style: chr17-63943016-G-T. GRCh37 (hg19) VCF-style: chr17-62020376-G-T.
Other names: short protein forms N1366K.
Identifiers: ClinVar variation 1487760 (VCV001487760.8), dbSNP rs1908594231, ClinGen allele CA400616745.

ClinVar aggregate classification (germline): Likely pathogenic (1 of 4 stars; one submission).

Conditions:
Hyperkalemic periodic paralysis. Also called: Familial hyperkalemic periodic paralysis; Gamstorp disease. Identifiers: Orphanet 682, MedGen C0238357, MONDO:0008224, OMIM 170500, HP:0007215.

Submission:

Labcorp Genetics (formerly Invitae), Labcorp
Classification: Likely pathogenic for Hyperkalemic periodic paralysis. Last evaluated: 2022-11-29. Review status: criteria provided, single submitter. Criteria: Invitae Variant Classification Sherloc (09022015). Collection method: clinical testing. Allele origin: germline.
Comment: This variant disrupts the p.Asn1366 amino acid residue in SCN4A. Other variant(s) that disrupt this residue have been determined to be pathogenic (PMID: 28940424). This suggests that this residue is clinically significant, and that variants that disrupt this residue are likely to be disease-causing. In summary, the currently available evidence indicates that the variant is pathogenic, but additional data are needed to prove that conclusively. Therefore, this variant has been classified as Likely Pathogenic. This sequence change replaces asparagine, which is neutral and polar, with lysine, which is basic and polar, at codon 1366 of the SCN4A protein (p.Asn1366Lys). This variant is not present in population databases (gnomAD no frequency). This variant has not been reported in the literature in individuals affected with SCN4A-related conditions. ClinVar contains an entry for this variant (Variation ID: 1487760). Advanced modeling of protein sequence and biophysical properties (such as structural, functional, and spatial information, amino acid conservation, physicochemical variation, residue mobility, and thermodynamic stability) performed at Invitae indicates that this missense variant is expected to disrupt SCN4A protein function. Experimental studies have shown that this missense change affects SCN4A function (PMID: 23589580).

Literature cited by the submitters: PubMed 28940424; PubMed 23589580.